The following is an entry in ClinVar:

ClinVar aggregate classification (germline): Uncertain significance. Review status: criteria provided, multiple submitters, no conflicts (2 of 4 stars). 2 submissions from 2 submitters: Uncertain significance (2). Last evaluated 2025-08-06.

Allele frequency attached by ClinVar (database versions not stated): gnomAD exomes below 0.00001; gnomAD 0.00001; TOPMed 0.00001.
gnomAD v4.1: 7 of 1,488,358 alleles (0.00047%); highest among the groups gnomAD compares: Middle Eastern, 0.018%; no homozygotes.

Submissions (2):

Ambry Genetics
Classification: Uncertain significance. Last evaluated: 2025-08-06. Review status: criteria provided, single submitter. Criteria: Ambry Variant Classification Scheme 2023. Collection method: clinical testing. Allele origin: germline.

Labcorp Genetics (formerly Invitae), Labcorp
Classification: Uncertain significance. Last evaluated: 2025-04-24. Review status: criteria provided, single submitter. Criteria: Invitae Variant Classification Sherloc (09022015). Collection method: clinical testing. Allele origin: germline.
Comment: This sequence change replaces glutamic acid, which is acidic and polar, with glutamine, which is neutral and polar, at codon 57 of the ARIH1 protein (p.Glu57Gln). This variant is not present in population databases (gnomAD no frequency). This variant has not been reported in the literature in individuals affected with ARIH1-related conditions. ClinVar contains an entry for this variant (Variation ID: 1972227). Experimental studies and prediction algorithms are not available or were not evaluated, and the functional significance of this variant is currently unknown. In summary, the available evidence is currently insufficient to determine the role of this variant in disease. Therefore, it has been classified as a Variant of Uncertain Significance.

NM_005744.5(ARIH1):c.169G>C (p.Glu57Gln)

Gene: ARIH1 (ariadne RBR E3 ubiquitin protein ligase 1; plus strand). Cytogenetic location: 15q24.1.
Variant type: single nucleotide variant.
Coding change: c.169G>C on transcript NM_005744.5 (MANE Select); coding-DNA position 169, G replaced by C.
Protein change: p.Glu57Gln; replaces glutamic acid 57 with glutamine.
Molecular consequence: missense variant.
Genome position (GRCh38, 1-based): chr15:72,474,808, G>C. VCF-style: chr15-72474808-G-C. GRCh37 (hg19) VCF-style: chr15-72767149-G-C.
Other names: c.169G>C (NM_005744.3); short protein forms E57Q.
Identifiers: ClinVar variation 1972227 (VCV001972227.6), dbSNP rs1000583730, ClinGen allele CA273260097.